The following is an entry in ClinVar:

NM_001369.3(DNAH5):c.5276A>G (p.Tyr1759Cys)

Gene: DNAH5 (dynein axonemal heavy chain 5; minus strand). Cytogenetic location: 5p15.2.
Variant type: single nucleotide variant.
Coding change: c.5276A>G on transcript NM_001369.3 (MANE Select); coding-DNA position 5276, A replaced by G.
Protein change: p.Tyr1759Cys; replaces tyrosine 1759 with cysteine.
Molecular consequence: missense variant.
Genome position (GRCh38, 1-based): chr5:13,841,900, T>C on the plus strand (A>G on the coding strand, the complement: DNAH5 is on the minus strand). VCF-style: chr5-13841900-T-C. GRCh37 (hg19) VCF-style: chr5-13842009-T-C.
Other names: short protein forms Y1759C.
Identifiers: ClinVar variation 1687545 (VCV001687545.1), dbSNP rs762444469, ClinGen allele CA3203712.

ClinVar aggregate classification (germline): Uncertain significance (1 of 4 stars; one submission).

Conditions:
Primary ciliary dyskinesia 3. Identifiers: Orphanet 244, MedGen C1837618, MONDO:0012085, OMIM 608644.

Allele frequency attached by ClinVar (database versions not stated): gnomAD exomes below 0.00001 and 0.00001; ExAC 0.00001.

Submission:

3billion
Classification: Uncertain significance for Primary ciliary dyskinesia 3. Last evaluated: 2022-05-22. Review status: criteria provided, single submitter. Criteria: ACMG Guidelines, 2015. Collection method: clinical testing. Allele origin: germline. Affected: yes. Observed: 1 heterozygote.
Comment: The variant is observed at an extremely low frequency in the gnomAD v2.1.1 dataset (total allele frequency: <0.001%). Protein truncation variants are a common disease-causing mechanism. In silico tool predictions suggest damaging effect of the variant on gene or gene product (REVEL: 0.61; 3Cnet: 0.37). Therefore, this variant is classified as uncertain significanceaccording to the recommendation of ACMG/AMP guideline.